The following is an entry in ClinVar:

NM_000492.4(CFTR):c.817A>T (p.Lys273Ter)

Gene: CFTR (CF transmembrane conductance regulator; plus strand). Cytogenetic location: 7q31.2.
Variant type: single nucleotide variant.
Coding change: c.817A>T on transcript NM_000492.4 (MANE Select); coding-DNA position 817, A replaced by T.
Protein change: p.Lys273Ter; replaces lysine 273 with a stop codon.
Molecular consequence: nonsense.
Genome position (GRCh38, 1-based): chr7:117,536,621, A>T. VCF-style: chr7-117536621-A-T. GRCh37 (hg19) VCF-style: chr7-117176675-A-T.
Other names: short protein forms K273*.
Identifiers: ClinVar variation 984344 (VCV000984344.3), dbSNP rs1296578005, ClinGen allele CA368977473.

ClinVar aggregate classification (germline): Likely pathogenic (1 of 4 stars; one submission).

Conditions:
Cystic fibrosis (CF). Also called: MUCOVISCIDOSIS. Identifiers: Orphanet 586, MedGen C0010674, MONDO:0009061, OMIM 219700. Disease mechanism: loss of function.

Submission:

Myriad Genetics, Inc.
Classification: Likely pathogenic for Cystic fibrosis. Last evaluated: 2020-01-05. Review status: criteria provided, single submitter. Criteria: Myriad Women's Health Autosomal Recessive and X-Linked Classification Criteria (2019). Collection method: clinical testing. Allele origin: unknown.
Comment: NM_000492.3(CFTR):c.817A>T(K273*) is expected to be pathogenic in the context of cystic fibrosis. This variant is predicted to lead to an abnormal or absent protein product due to the creation of a premature termination codon in CFTR, a gene where loss-of-function variants are known to be pathogenic. Please note: this variant was assessed in the context of healthy population screening.